The following is an entry in ClinVar:

ClinVar aggregate classification (germline): Uncertain significance (1 of 4 stars; one submission).

gnomAD v4.1: 187 of 1,613,478 alleles (0.012%); highest among the groups gnomAD compares: Non-Finnish European, 0.015%; no homozygotes.

Submission:

GeneDx
Classification: Uncertain significance. Last evaluated: 2025-06-09. Review status: criteria provided, single submitter. Criteria: GeneDx Variant Classification Process June 2021. Collection method: clinical testing. Allele origin: germline. Affected: yes.
Comment: In silico analysis supports that this missense variant has a deleterious effect on protein structure/function; Has not been previously published as pathogenic or benign to our knowledge

NM_004086.3(COCH):c.692C>T (p.Ala231Val)

Genes: COCH (cochlin; plus strand), COCH-AS1 (COCH antisense RNA 1; minus strand). Cytogenetic location: 14q12.
Variant type: single nucleotide variant.
Coding change: c.692C>T on transcript NM_004086.3 (MANE Select); coding-DNA position 692, C replaced by T.
Protein change: p.Ala231Val; replaces alanine 231 with valine.
Molecular consequence: missense variant. On other transcripts: non-coding transcript variant (1).
Genome position (GRCh38, 1-based): chr14:30,884,615, C>T. VCF-style: chr14-30884615-C-T. GRCh37 (hg19) VCF-style: chr14-31353821-C-T.
Other names: c.692C>T, p.Ala231Val (NM_001135058.2); c.887C>T, p.Ala296Val (NM_001347720.2); short protein forms A231V, A296V.
Identifiers: ClinVar variation 4538054 (VCV004538054.1).
Genomic context (GRCh38, chr14:30,884,615, plus strand): 5'-AACATCCCAAAATAGAATTTTACTTGAAAAACTTTACATCAGCCAAAGATGTTTTGTTTG[C>T]CATAAAGGAAGTAGGTTTCAGAGGGGGTAATTCCAATACAGGTAAGTAGACTTTGATACC-3'
Protein context (NP_004077.1, residues 221-241): NFTSAKDVLF[Ala231Val]IKEVGFRGGN